The following is an entry in ClinVar:

ClinVar aggregate classification (germline): Uncertain significance. Review status: criteria provided, multiple submitters, no conflicts (2 of 4 stars). 2 submissions from 2 submitters: Uncertain significance (2). Last evaluated 2024-04-01.

Conditions:
Cardiovascular phenotype. Identifiers: MedGen CN230736.

Allele frequency attached by ClinVar (database versions not stated): gnomAD exomes below 0.00001; gnomAD 0.00003 and 0.00004; TOPMed 0.00003.
gnomAD v4.1: 7 of 1,549,110 alleles (0.00045%); highest among the groups gnomAD compares: African/African-American, 0.0082%; no homozygotes.

Submissions (2):

Ambry Genetics
Classification: Uncertain significance for Cardiovascular phenotype. Last evaluated: 2024-04-01. Review status: criteria provided, single submitter. Criteria: Ambry Variant Classification Scheme 2023. Collection method: clinical testing. Allele origin: germline.
Comment: The p.L3200Q variant (also known as c.9599T>A), located in coding exon 2 of the ZNF469 gene, results from a T to A substitution at nucleotide position 9599. The leucine at codon 3200 is replaced by glutamine, an amino acid with dissimilar properties. This amino acid position is conserved. In addition, this alteration is predicted to be tolerated by in silico analysis. Based on the available evidence, the clinical significance of this alteration remains unclear.

Labcorp Genetics (formerly Invitae), Labcorp
Classification: Uncertain significance. Last evaluated: 2021-11-29. Review status: criteria provided, single submitter. Criteria: Invitae Variant Classification Sherloc (09022015). Collection method: clinical testing. Allele origin: germline.
Comment: This sequence change replaces leucine, which is neutral and non-polar, with glutamine, which is neutral and polar, at codon 3200 of the ZNF469 protein (p.Leu3200Gln). This variant is present in population databases (no rsID available, gnomAD 0.01%). This variant has not been reported in the literature in individuals affected with ZNF469-related conditions. Algorithms developed to predict the effect of missense changes on protein structure and function are either unavailable or do not agree on the potential impact of this missense change (SIFT: "Deleterious"; PolyPhen-2: "Probably Damaging"; Align-GVGD: "Class C0"). Algorithms developed to predict the effect of sequence changes on RNA splicing suggest that this variant may create or strengthen a splice site. In summary, the available evidence is currently insufficient to determine the role of this variant in disease. Therefore, it has been classified as a Variant of Uncertain Significance.

NM_001367624.2(ZNF469):c.9683T>A (p.Leu3228Gln)

Gene: ZNF469 (zinc finger protein 469; plus strand). Cytogenetic location: 16q24.2.
Variant type: single nucleotide variant.
Coding change: c.9683T>A on transcript NM_001367624.2 (MANE Select); coding-DNA position 9683, T replaced by A.
Protein change: p.Leu3228Gln; replaces leucine 3228 with glutamine.
Molecular consequence: missense variant.
Genome position (GRCh38, 1-based): chr16:88,437,153, T>A. VCF-style: chr16-88437153-T-A. GRCh37 (hg19) VCF-style: chr16-88503561-T-A.
Other names: NM_001127464.1:c.9599T>A; short protein forms L3228Q.
Identifiers: ClinVar variation 1402015 (VCV001402015.4), dbSNP rs937807926, ClinGen allele CA286385646.
Genomic context (GRCh38, chr16:88,437,153, plus strand): 5'-GGAGGTCCTTGGGGGACCTGCCCGGAGGCCTGGAGGGCAGCAGCGCTGTCGCCCACCTTC[T>A]GAACAGCATCACGGAACCCGCGCCCAAACACCACAGGGGCAAGCGCTCCGCCGGCAAGGC-3'
Protein context (NP_001354553.1, residues 3218-3238): LEGSSAVAHL[Leu3228Gln]NSITEPAPKH